The following is an entry in ClinVar:

NM_004462.5(FDFT1):c.100-84TCCCAC[5]

Gene: FDFT1 (farnesyl-diphosphate farnesyltransferase 1). Cytogenetic location: 8p23.1.
Variant type: Microsatellite.
Coding change: c.100-84TCCCAC[5] on transcript NM_004462.5 (MANE Select); five copies in a row of the 6-base unit TCCCAC starting at c.100-84.
Molecular consequence: intron variant. On other transcripts: inframe indel (1), inframe deletion (1).
Genome position: GRCh38 VCF-style: chr8-11808709-GTCCCAC-G. GRCh37 (hg19) VCF-style: chr8-11666218-GTCCCAC-G.
Other names: c.226_231del6 (NM_001287750.1); c.196CACTCC[5], p.66HS[5] (NM_001287750.2); c.100-84TCCCAC[5] (NM_001287742.2, NM_001287743.2); c.-93-84TCCCAC[5] (NM_001287744.2, NM_001287745.2, NM_001287747.2 and 2 more transcripts); c.64+5800TCCCAC[5] (NM_001287756.2).
Identifiers: ClinVar variation 3060113 (VCV003060113.4), dbSNP rs71711801, ClinGen allele CA172131163.
Genomic context (GRCh38, chr8:11,808,709, plus strand): 5'-CTGGCCCTGCAAGGACTGGCCTCGGGGAGAGGGCGGCAGGCTGTGGAGCCGCCTGCCCCA[GTCCCAC>G]TCCCACTCCCACTCCCACTCCCACTCCCACTCCTGCTCCTCGACGTCTCCCACCGCCGTG-3'

ClinVar aggregate classification (germline): Benign. Review status: criteria provided, multiple submitters, no conflicts (2 of 4 stars). 3 submissions from 3 submitters: Benign (2). 1 of the submissions does not count toward it. Last evaluated 2025-02-16.

Conditions:
FDFT1-related disorder. Also called: FDFT1-related condition.

Submissions (3):

Laboratory of Genetics, Children's Clinical University Hospital Latvia
Classification: Benign. Last evaluated: 2025-02-16. Review status: criteria provided, single submitter. Criteria: ACMG Guidelines, 2015. Collection method: clinical testing. Allele origin: germline. Affected: yes.

Blueprint Genetics
Classification: Benign. Last evaluated: 2024-11-27. Review status: criteria provided, single submitter. Criteria: ACMG Guidelines, 2015. Collection method: clinical testing. Allele origin: germline.

PreventionGenetics, part of Exact Sciences
Classification: Benign for FDFT1-related condition. Last evaluated: 2019-09-05. Review status: no assertion criteria provided. Collection method: clinical testing. Allele origin: germline. Not counted in ClinVar's aggregate classification.
Comment: This variant is classified as benign based on ACMG/AMP sequence variant interpretation guidelines (Richards et al. 2015 PMID: 25741868, with internal and published modifications).